The following is an entry in ClinVar:

ClinVar aggregate classification (germline): Likely benign. Review status: criteria provided, multiple submitters, no conflicts (2 of 4 stars). 4 submissions from 4 submitters: Likely benign (4). Last evaluated 2025-09-29.

Conditions:
Inborn genetic diseases. Identifiers: MedGen C0950123, MeSH D030342.
Finnish type amyloidosis. Also called: Lattice corneal dystrophy associated with familial systemic amyloidosis; Amyloidosis, familial, Finnish type; Meretoja type amyloidosis; Amyloidosis 5; AMYLOID CRANIAL NEUROPATHY WITH LATTICE CORNEAL DYSTROPHY; AMYLOIDOSIS DUE TO MUTANT GELSOLIN. Identifiers: Orphanet 85448, MedGen C1622345, MONDO:0007097, OMIM 105120.
GSN-related disorder. Also called: GSN-related condition.

Allele frequency attached by ClinVar (database versions not stated): gnomAD 0.00004; TOPMed 0.00004; gnomAD exomes 0.00006 and 0.00009; ESP Exome Variant Server 0.00008; ExAC 0.00009.
gnomAD v4.1: 89 of 1,613,938 alleles (0.0055%); highest among the groups gnomAD compares: Non-Finnish European, 0.0038%; no homozygotes.

Submissions (4):

Labcorp Genetics (formerly Invitae), Labcorp
Classification: Likely benign. Last evaluated: 2025-09-29. Review status: criteria provided, single submitter. Criteria: Invitae Variant Classification Sherloc (09022015). Collection method: clinical testing. Allele origin: germline.

PreventionGenetics, part of Exact Sciences
Classification: Likely benign for GSN-related condition. Last evaluated: 2025-03-26. Review status: criteria provided, single submitter. Criteria: ACMG Guidelines, 2015. Collection method: clinical testing. Allele origin: germline.
Comment: This variant is classified as likely benign based on ACMG/AMP sequence variant interpretation guidelines (Richards et al. 2015 PMID: 25741868, with internal and published modifications).

Ambry Genetics
Classification: Likely benign for Inborn genetic diseases. Last evaluated: 2021-03-17. Review status: criteria provided, single submitter. Criteria: Ambry Variant Classification Scheme 2023. Collection method: clinical testing. Allele origin: germline.

Illumina Laboratory Services, Illumina
Classification: Likely benign for Finnish type amyloidosis. Last evaluated: 2018-01-13. Review status: criteria provided, single submitter. Criteria: ICSL Variant Classification Criteria 13 December 2019. Collection method: clinical testing. Allele origin: germline.
Comment: This variant was observed in the ICSL laboratory as part of a predisposition screen in an ostensibly healthy population. It had not been previously curated by ICSL or reported in the Human Gene Mutation Database (HGMD: prior to June 1st, 2018), and was therefore a candidate for classification through an automated scoring system. Utilizing variant allele frequency, disease prevalence and penetrance estimates, and inheritance mode, an automated score was calculated to assess if this variant is too frequent to cause the disease. Based on the score and internal cut-off values, a variant classified as likely benign is not then subjected to further curation. The score for this variant resulted in a classification of likely benign for this disease.

NM_198252.3(GSN):c.2045C>T (p.Thr682Met)

Gene: GSN (gelsolin; plus strand). Cytogenetic location: 9q33.2.
Variant type: single nucleotide variant.
Coding change: c.2045C>T on transcript NM_198252.3 (MANE Select); coding-DNA position 2045, C replaced by T.
Protein change: p.Thr682Met; replaces threonine 682 with methionine.
Molecular consequence: missense variant.
Genome position (GRCh38, 1-based): chr9:121,332,452, C>T. VCF-style: chr9-121332452-C-T. GRCh37 (hg19) VCF-style: chr9-124094730-C-T.
Other names: c.2198C>T, p.Thr733Met (NM_000177.5); c.2045C>T, p.Thr682Met (NM_001127662.2, NM_001127664.2, NM_001127665.2 and 10 more transcripts); c.2153C>T, p.Thr718Met (NM_001127663.2); c.2078C>T, p.Thr693Met (NM_001127666.2, NM_001127667.2, NM_001353063.2 and 13 more transcripts); c.2096C>T, p.Thr699Met (NM_001258029.2); c.2069C>T, p.Thr690Met (NM_001258030.2); c.2117C>T, p.Thr706Met (NM_001353076.2); c.1391C>T, p.Thr464Met (NM_001353078.2); short protein forms T718M, T693M, T706M, T733M, T699M, T464M, T682M, T690M.
Identifiers: ClinVar variation 915194 (VCV000915194.14), dbSNP rs142854368, ClinGen allele CA5221528.